The following is an entry in ClinVar:

NM_053025.4(MYLK):c.2255T>G (p.Val752Gly)

Gene: MYLK (myosin light chain kinase; minus strand). Cytogenetic location: 3q21.1.
Variant type: single nucleotide variant.
Coding change: c.2255T>G on transcript NM_053025.4 (MANE Select); coding-DNA position 2255, T replaced by G.
Protein change: p.Val752Gly; replaces valine 752 with glycine.
Molecular consequence: missense variant.
Genome position (GRCh38, 1-based): chr3:123,707,889, A>C on the plus strand (T>G on the coding strand, the complement: MYLK is on the minus strand). VCF-style: chr3-123707889-A-C. GRCh37 (hg19) VCF-style: chr3-123426736-A-C.
Other names: c.1727T>G, p.Val576Gly (NM_001321309.2); c.2048T>G, p.Val683Gly (NM_053026.4, NM_053028.4); c.2255T>G, p.Val752Gly (NM_053027.4); short protein forms V576G, V683G, V752G.
Identifiers: ClinVar variation 3897198 (VCV003897198.1).
Genomic context (GRCh38, chr3:123,707,889, plus strand): 5'-TGAAGCACCTCGAAGTGGCCAGTGTCTTTGCAGAGGGCTTTGCCATCTCTGAGCCAGTGC[A>C]CGGTAGGAAAGGGGTCACCAGCTATGGCGCAGGAGATGAGGACACTCTGGCCCAGGGAGG-3'
Protein context (NP_444253.3, residues 742-762): CAIAGDPFPT[Val752Gly]HWLRDGKALC

ClinVar aggregate classification (germline): Uncertain significance (1 of 4 stars; one submission).

gnomAD v4.1: 1 of 1,614,236 alleles (0.000062%); highest among the groups gnomAD compares: Non-Finnish European, 0.000085%; no homozygotes.

Submission:

GeneDx
Classification: Uncertain significance. Last evaluated: 2024-11-05. Review status: criteria provided, single submitter. Criteria: GeneDx Variant Classification Process June 2021. Collection method: clinical testing. Allele origin: germline. Affected: yes.
Comment: Has not been previously published as pathogenic or benign to our knowledge; Not observed at significant frequency in large population cohorts (gnomAD); In silico analysis supports that this missense variant has a deleterious effect on protein structure/function